The following is an entry in ClinVar:

NM_000142.5(FGFR3):c.1646-10G>A

Gene: FGFR3 (fibroblast growth factor receptor 3; plus strand). Cytogenetic location: 4p16.3.
Variant type: single nucleotide variant.
Coding change: c.1646-10G>A on transcript NM_000142.5 (MANE Select); 10 bases into the intron before coding-DNA position 1646, G replaced by A.
Molecular consequence: intron variant.
Genome position (GRCh38, 1-based): chr4:1,805,740, G>A. VCF-style: chr4-1805740-G-A. GRCh37 (hg19) VCF-style: chr4-1807467-G-A.
Other names: c.1652-10G>A (NM_001163213.2); c.1649-10G>A (NM_001354809.2, NM_001354810.2); c.1310-10G>A (NM_022965.4).
Identifiers: ClinVar variation 1343036 (VCV001343036.8), dbSNP rs201317043, ClinGen allele CA2810526.

ClinVar aggregate classification (germline): Likely benign. Review status: criteria provided, multiple submitters, no conflicts (2 of 4 stars). 3 submissions from 3 submitters: Likely benign (3). Last evaluated 2025-11-06.

Allele frequency attached by ClinVar (database versions not stated): gnomAD exomes 0.00002; ExAC 0.00004; gnomAD 0.00005; TOPMed 0.00006; ESP Exome Variant Server 0.00008; 1000 Genomes Project 30x 0.00016; 1000 Genomes Project 0.00020.
gnomAD v4.1: 39 of 1,612,186 alleles (0.0024%); highest among the groups gnomAD compares: Non-Finnish European, 0.0028%; no homozygotes.

Submissions (3):

Women's Health and Genetics/Laboratory Corporation of America, LabCorp
Classification: Likely benign. Last evaluated: 2025-11-06. Review status: criteria provided, single submitter. Criteria: LabCorp Variant Classification Summary - May 2015. Collection method: clinical testing. Allele origin: germline.
Comment: Variant summary: FGFR3 c.1646-10G>A alters a nucleotide located at a position not widely known to affect splicing. Consensus agreement among computation tools predict no significant impact on normal splicing. However, these predictions have yet to be confirmed by functional studies. The variant allele was found at a frequency of 2e-05 in 245896 control chromosomes. The available data on variant occurrences in the general population are insufficient to allow any conclusion about variant significance. To our knowledge, no occurrence of c.1646-10G>A in individuals affected with FGFR3-related conditions and no experimental evidence demonstrating its impact on protein function have been reported. ClinVar contains an entry for this variant (Variation ID: 1343036). Based on the evidence outlined above, the variant was classified as likely benign.

Labcorp Genetics (formerly Invitae), Labcorp
Classification: Likely benign. Last evaluated: 2025-08-19. Review status: criteria provided, single submitter. Criteria: Invitae Variant Classification Sherloc (09022015). Collection method: clinical testing. Allele origin: germline.

GeneDx
Classification: Likely benign. Last evaluated: 2021-05-21. Review status: criteria provided, single submitter. Criteria: GeneDx Variant Classification Process June 2021. Collection method: clinical testing. Allele origin: germline. Affected: yes.